The following is an entry in ClinVar:

ClinVar aggregate classification (germline): Pathogenic (1 of 4 stars; one submission).

Conditions:
Fanconi anemia (FA). Also called: Fanconi's anemia. Identifiers: Orphanet 84, MedGen C0015625, MeSH D005199, MONDO:0019391.

Submission:

Labcorp Genetics (formerly Invitae), Labcorp
Classification: Pathogenic for Fanconi anemia. Last evaluated: 2023-10-03. Review status: criteria provided, single submitter. Criteria: Invitae Variant Classification Sherloc (09022015). Collection method: clinical testing. Allele origin: germline.
Comment: This sequence change affects the initiator methionine of the FANCL mRNA. The next in-frame methionine is located at codon 74. This variant is not present in population databases (gnomAD no frequency). Disruption of the initiator codon has been observed in individuals with clinical features of Fanconi anemia and/or hematological abnormalities (PMID: 33727708, 34008892; Invitae). ClinVar contains an entry for this variant (Variation ID: 1988318). This variant disrupts the E2-like fold (ELF) domain of the FANCL protein, which is required for its interaction with the FANCB-FAAP100 complex as well as for non-covalent binding to ubiquitin (PMID: 26149689, 27986371). While functional studies have not been performed to directly test the effect of this variant on FANCL protein function, this suggests that disruption of this region of the protein is causative of disease. For these reasons, this variant has been classified as Pathogenic.

Literature cited by the submitters: PubMed 33727708; PubMed 34008892; PubMed 26149689; PubMed 27986371.

NM_018062.4(FANCL):c.1A>C (p.Met1Leu)

Gene: FANCL (FA complementation group L; minus strand). Cytogenetic location: 2p16.1.
Variant type: single nucleotide variant.
Coding change: c.1A>C on transcript NM_018062.4 (MANE Select); coding-DNA position 1, A replaced by C.
Protein change: p.Met1Leu; changes the start codon (methionine 1).
Molecular consequence: missense variant, initiator codon variant.
Genome position (GRCh38, 1-based): chr2:58,241,313, T>G on the plus strand (A>C on the coding strand, the complement: FANCL is on the minus strand). VCF-style: chr2-58241313-T-G. GRCh37 (hg19) VCF-style: chr2-58468448-T-G.
Other names: c.1A>C, p.Met1Leu (NM_001410792.1, NM_001114636.2, NM_001374615.1); short protein forms M1L.
Identifiers: ClinVar variation 1988318 (VCV001988318.5), dbSNP rs772037896, ClinGen allele CA347035228.